The following is an entry in ClinVar:

NM_001353921.2(ARHGEF9):c.256G>A (p.Val86Met)

Gene: ARHGEF9 (Cdc42 guanine nucleotide exchange factor 9; minus strand). Cytogenetic location: Xq11.1.
Variant type: single nucleotide variant.
Coding change: c.256G>A on transcript NM_001353921.2 (MANE Select); coding-DNA position 256, G replaced by A.
Protein change: p.Val86Met; replaces valine 86 with methionine.
Molecular consequence: missense variant. On other transcripts: 5 prime UTR variant (3).
Genome position (GRCh38, 1-based): chrX:63,706,404, C>T on the plus strand (G>A on the coding strand, the complement: ARHGEF9 is on the minus strand). VCF-style: chrX-63706404-C-T. GRCh37 (hg19) VCF-style: chrX-62926284-C-T.
Other names: c.76G>A, p.Val26Met (NM_001173479.2); c.-72G>A (NM_001173480.2, NM_001369042.1); c.172G>A, p.Val58Met (NM_001330495.2, NM_001353927.2, NM_001369033.1 and 8 more transcripts); c.256G>A, p.Val86Met (NM_001353922.2); c.274G>A, p.Val92Met (NM_001353923.1); c.55G>A, p.Val19Met (NM_001353924.2, NM_001353926.2, NM_001369039.1 and 1 more transcripts); c.235G>A, p.Val79Met (NM_001353928.2, NM_001369030.1, NM_001369031.1 and 2 more transcripts); c.-448G>A (NM_001369045.1); short protein forms V58M, V19M, V92M, V79M, V26M, V86M.
Identifiers: ClinVar variation 2092422 (VCV002092422.4), dbSNP rs1556402053, ClinGen allele CA413402289.

ClinVar aggregate classification (germline): Uncertain significance (1 of 4 stars; one submission).

Conditions:
Developmental and epileptic encephalopathy, 8 (DEE8). Also called: HYPEREKPLEXIA AND EPILEPSY. Identifiers: Orphanet 163985, Orphanet 2076, MedGen C1845102, MONDO:0010375, OMIM 300607.

Submission:

Labcorp Genetics (formerly Invitae), Labcorp
Classification: Uncertain significance for Developmental and epileptic encephalopathy, 8. Last evaluated: 2022-02-03. Review status: criteria provided, single submitter. Criteria: Invitae Variant Classification Sherloc (09022015). Collection method: clinical testing. Allele origin: germline.
Comment: This variant is not present in population databases (gnomAD no frequency). This sequence change replaces valine, which is neutral and non-polar, with methionine, which is neutral and non-polar, at codon 79 of the ARHGEF9 protein (p.Val79Met). This variant has not been reported in the literature in individuals affected with ARHGEF9-related conditions. In summary, the available evidence is currently insufficient to determine the role of this variant in disease. Therefore, it has been classified as a Variant of Uncertain Significance. Algorithms developed to predict the effect of missense changes on protein structure and function are either unavailable or do not agree on the potential impact of this missense change (SIFT: "Deleterious"; PolyPhen-2: "Possibly Damaging"; Align-GVGD: "Class C15").